The following is an entry in ClinVar:

ClinVar aggregate classification (germline): Uncertain significance. Review status: criteria provided, multiple submitters, no conflicts (2 of 4 stars). 2 submissions from 2 submitters: Uncertain significance (2). Last evaluated 2024-11-21.

Conditions:
DICER1-related tumor predisposition. Also called: DICER1-related pleuropulmonary blastoma cancer predisposition syndrome; DICER1 syndrome. Identifiers: Orphanet 284343, MedGen C3839822, MONDO:0100216.
Hereditary cancer-predisposing syndrome. Also called: Hereditary Cancer Syndrome; Neoplastic Syndromes, Hereditary; Hereditary neoplastic syndrome; Tumor predisposition. Identifiers: Orphanet 140162, MedGen C0027672, MeSH D009386, MONDO:0015356.

Allele frequency attached by ClinVar (database versions not stated): TOPMed 0.00001.

Submissions (2):

Ambry Genetics
Classification: Uncertain significance for Hereditary cancer-predisposing syndrome. Last evaluated: 2024-11-21. Review status: criteria provided, single submitter. Criteria: Ambry Variant Classification Scheme 2023. Collection method: clinical testing. Allele origin: germline.
Comment: The p.H1062R variant (also known as c.3185A>G), located in coding exon 19 of the DICER1 gene, results from an A to G substitution at nucleotide position 3185. The histidine at codon 1062 is replaced by arginine, an amino acid with highly similar properties. This amino acid position is highly conserved in available vertebrate species. In addition, the in silico prediction for this alteration is inconclusive. Since supporting evidence is limited at this time, the clinical significance of this alteration remains unclear.

Labcorp Genetics (formerly Invitae), Labcorp
Classification: Uncertain significance for DICER1-related tumor predisposition. Last evaluated: 2023-06-05. Review status: criteria provided, single submitter. Criteria: Invitae Variant Classification Sherloc (09022015). Collection method: clinical testing. Allele origin: germline.
Comment: In summary, the available evidence is currently insufficient to determine the role of this variant in disease. Therefore, it has been classified as a Variant of Uncertain Significance. Advanced modeling of protein sequence and biophysical properties (such as structural, functional, and spatial information, amino acid conservation, physicochemical variation, residue mobility, and thermodynamic stability) performed at Invitae indicates that this missense variant is not expected to disrupt DICER1 protein function. ClinVar contains an entry for this variant (Variation ID: 823118). This variant has not been reported in the literature in individuals affected with DICER1-related conditions. This variant is not present in population databases (gnomAD no frequency). This sequence change replaces histidine, which is basic and polar, with arginine, which is basic and polar, at codon 1062 of the DICER1 protein (p.His1062Arg).

NM_177438.3(DICER1):c.3185A>G (p.His1062Arg)

Gene: DICER1 (dicer 1, ribonuclease III; minus strand). Cytogenetic location: 14q32.13.
Variant type: single nucleotide variant.
Coding change: c.3185A>G on transcript NM_177438.3 (MANE Select); coding-DNA position 3185, A replaced by G.
Protein change: p.His1062Arg; replaces histidine 1062 with arginine.
Molecular consequence: missense variant.
Genome position (GRCh38, 1-based): chr14:95,105,155, T>C on the plus strand (A>G on the coding strand, the complement: DICER1 is on the minus strand). VCF-style: chr14-95105155-T-C. GRCh37 (hg19) VCF-style: chr14-95571492-T-C.
Other names: c.3185A>G, p.His1062Arg (NM_001195573.1, NM_001271282.3, NM_001291628.2 and 1 more transcripts); short protein forms H1062R.
Identifiers: ClinVar variation 823118 (VCV000823118.8), dbSNP rs1398724408, ClinGen allele CA390876613.